The following is an entry in ClinVar:

NM_053025.4(MYLK):c.5449G>A (p.Asp1817Asn)

Genes: MYLK-AS1 (MYLK antisense RNA 1; plus strand), MYLK (myosin light chain kinase; minus strand). Cytogenetic location: 3q21.1.
Variant type: single nucleotide variant.
Coding change: c.5449G>A on transcript NM_053025.4 (MANE Select); coding-DNA position 5449, G replaced by A.
Protein change: p.Asp1817Asn; replaces aspartic acid 1817 with asparagine.
Molecular consequence: missense variant.
Genome position (GRCh38, 1-based): chr3:123,618,690, C>T on the plus strand (G>A on the coding strand, the complement: MYLK is on the minus strand). VCF-style: chr3-123618690-C-T. GRCh37 (hg19) VCF-style: chr3-123337537-C-T.
Other names: c.4921G>A, p.Asp1641Asn (NM_001321309.2); c.5242G>A, p.Asp1748Asn (NM_053026.4); c.5296G>A, p.Asp1766Asn (NM_053027.4); c.5089G>A, p.Asp1697Asn (NM_053028.4); c.166G>A, p.Asp56Asn (NM_053031.4); c.169G>A, p.Asp57Asn (NM_053032.4); short protein forms D1641N, D1697N, D1766N, D57N, D1748N, D1817N, D56N.
Identifiers: ClinVar variation 937579 (VCV000937579.12), dbSNP rs746327636, ClinGen allele CA072995.

ClinVar aggregate classification (germline): Uncertain significance. Review status: criteria provided, multiple submitters, no conflicts (2 of 4 stars). 3 submissions from 3 submitters: Uncertain significance (3). Last evaluated 2025-01-11.

Conditions:
Megacystis-microcolon-intestinal hypoperistalsis syndrome 1. Identifiers: MedGen C5542316, MONDO:0100354, OMIM 249210.
Aortic aneurysm, familial thoracic 7 (AAT7). Also called: AORTIC DISSECTION, FAMILIAL, WITH OR WITHOUT AORTIC ANEURYSM. Identifiers: MedGen C3151077, MONDO:0013418, OMIM 613780.

Allele frequency attached by ClinVar (database versions not stated): gnomAD 0.00001; TOPMed 0.00001; ExAC 0.00002; gnomAD exomes 0.00002.
gnomAD v4.1: 14 of 1,614,034 alleles (0.00087%); highest among the groups gnomAD compares: South Asian, 0.0033%; no homozygotes.

Submissions (3):

Labcorp Genetics (formerly Invitae), Labcorp
Classification: Uncertain significance for Aortic aneurysm, familial thoracic 7. Last evaluated: 2025-01-11. Review status: criteria provided, single submitter. Criteria: Invitae Variant Classification Sherloc (09022015). Collection method: clinical testing. Allele origin: germline.
Comment: This sequence change replaces aspartic acid, which is acidic and polar, with asparagine, which is neutral and polar, at codon 1817 of the MYLK protein (p.Asp1817Asn). This variant is present in population databases (rs746327636, gnomAD 0.01%). This variant has not been reported in the literature in individuals affected with MYLK-related conditions. ClinVar contains an entry for this variant (Variation ID: 937579). Invitae Evidence Modeling of protein sequence and biophysical properties (such as structural, functional, and spatial information, amino acid conservation, physicochemical variation, residue mobility, and thermodynamic stability) indicates that this missense variant is not expected to disrupt MYLK protein function with a negative predictive value of 80%. In summary, the available evidence is currently insufficient to determine the role of this variant in disease. Therefore, it has been classified as a Variant of Uncertain Significance.

GeneDx
Classification: Uncertain significance. Last evaluated: 2024-04-10. Review status: criteria provided, single submitter. Criteria: GeneDx Variant Classification Process June 2021. Collection method: clinical testing. Allele origin: germline. Affected: yes.
Comment: Has not been previously published as pathogenic or benign to our knowledge; Not observed at significant frequency in large population cohorts (gnomAD); In silico analysis supports that this missense variant has a deleterious effect on protein structure/function

Fulgent Genetics
Classification: Uncertain significance for Megacystis-microcolon-intestinal hypoperistalsis syndrome 1; Aortic aneurysm, familial thoracic 7. Last evaluated: 2021-09-22. Review status: criteria provided, single submitter. Criteria: ACMG Guidelines, 2015. Collection method: clinical testing. Allele origin: unknown.